The following is an entry in ClinVar:

NM_000459.5(TEK):c.2706T>G (p.Ile902Met)

Gene: TEK (TEK receptor tyrosine kinase; plus strand). Cytogenetic location: 9p21.2.
Variant type: single nucleotide variant.
Coding change: c.2706T>G on transcript NM_000459.5 (MANE Select); coding-DNA position 2706, T replaced by G.
Protein change: p.Ile902Met; replaces isoleucine 902 with methionine.
Molecular consequence: missense variant.
Genome position (GRCh38, 1-based): chr9:27,212,726, T>G. VCF-style: chr9-27212726-T-G. GRCh37 (hg19) VCF-style: chr9-27212724-T-G.
Other names: c.2577T>G, p.Ile859Met (NM_001290077.2); c.2262T>G, p.Ile754Met (NM_001290078.2); c.2703T>G, p.Ile901Met (NM_001375475.1); c.2574T>G, p.Ile858Met (NM_001375476.1); short protein forms I754M, I858M, I859M, I901M, I902M.
Identifiers: ClinVar variation 3900067 (VCV003900067.1).

ClinVar aggregate classification (germline): Uncertain significance (1 of 4 stars; one submission).

Submission:

GeneDx
Classification: Uncertain significance. Last evaluated: 2024-11-21. Review status: criteria provided, single submitter. Criteria: GeneDx Variant Classification Process June 2021. Collection method: clinical testing. Allele origin: germline. Affected: yes.
Comment: In silico analysis indicates that this missense variant does not alter protein structure/function; Has not been previously published as pathogenic or benign to our knowledge